The following is an entry in ClinVar:

ClinVar aggregate classification (germline): Uncertain significance. Review status: criteria provided, multiple submitters, no conflicts (2 of 4 stars). 2 submissions from 2 submitters: Uncertain significance (2). Last evaluated 2025-05-22.

Conditions:
Early-onset Parkinson disease 20. Also called: PARKINSON DISEASE 20, AUTOSOMAL RECESSIVE EARLY-ONSET. Identifiers: Orphanet 391411, MedGen C3809824, MONDO:0014233, OMIM 615530.
Developmental and epileptic encephalopathy, 53. Also called: Epileptic encephalopathy, early infantile, 53. Identifiers: MedGen C4479313, MONDO:0033362, OMIM 617389.

Allele frequency attached by ClinVar (database versions not stated): ExAC 0.00002; gnomAD exomes 0.00002; TOPMed 0.00002; gnomAD 0.00003 and 0.00004.

Submissions (2):

Mayo Clinic Laboratories, Mayo Clinic
Classification: Uncertain significance. Last evaluated: 2025-05-22. Review status: criteria provided, single submitter. Criteria: ACMG Guidelines, 2015. Collection method: clinical testing. Allele origin: germline. Observed: 1 variant allele.
Comment: BP4_moderate

Labcorp Genetics (formerly Invitae), Labcorp
Classification: Uncertain significance for Developmental and epileptic encephalopathy, 53; Early-onset Parkinson disease 20. Last evaluated: 2024-09-05. Review status: criteria provided, single submitter. Criteria: Invitae Variant Classification Sherloc (09022015). Collection method: clinical testing. Allele origin: germline.
Comment: This sequence change replaces glutamic acid, which is acidic and polar, with lysine, which is basic and polar, at codon 1524 of the SYNJ1 protein (p.Glu1524Lys). This variant is present in population databases (rs770188528, gnomAD 0.01%). This variant has not been reported in the literature in individuals affected with SYNJ1-related conditions. ClinVar contains an entry for this variant (Variation ID: 961882). An algorithm developed to predict the effect of missense changes on protein structure and function (PolyPhen-2) suggests that this variant¬¨‚Ä†is likely to be tolerated. In summary, the available evidence is currently insufficient to determine the role of this variant in disease. Therefore, it has been classified as a Variant of Uncertain Significance.

NM_203446.3(SYNJ1):c.*541G>A

Gene: SYNJ1 (synaptojanin 1; minus strand). Cytogenetic location: 21q22.11.
Variant type: single nucleotide variant.
Coding change: c.*541G>A on transcript NM_203446.3 (MANE Select); 541 bases downstream of the stop codon, G replaced by A.
Molecular consequence: 3 prime UTR variant. On other transcripts: missense variant (2).
Genome position (GRCh38, 1-based): chr21:32,631,264, C>T on the plus strand (G>A on the coding strand, the complement: SYNJ1 is on the minus strand). VCF-style: chr21-32631264-C-T. GRCh37 (hg19) VCF-style: chr21-34003574-C-T.
Other names: p.Glu1524Lys; c.*541G>A (NM_001160302.2); c.4312G>A, p.Glu1438Lys (NM_001160306.2); c.4570G>A, p.Glu1524Lys (NM_003895.4); short protein forms E1438K, E1524K.
Identifiers: ClinVar variation 961882 (VCV000961882.10), dbSNP rs770188528, ClinGen allele CA10003095.